The following is an entry in ClinVar:

ClinVar aggregate classification (germline): Uncertain significance (1 of 4 stars; one submission).

Conditions:
Hereditary cancer-predisposing syndrome. Also called: Neoplastic Syndromes, Hereditary; Tumor predisposition; Hereditary Cancer Syndrome; Hereditary neoplastic syndrome. Identifiers: Orphanet 140162, MedGen C0027672, MeSH D009386, MONDO:0015356.

Submission:

Color Diagnostics, LLC DBA Color Health
Classification: Uncertain significance for Hereditary cancer-predisposing syndrome. Last evaluated: 2024-03-06. Review status: criteria provided, single submitter. Criteria: ACMG Guidelines, 2015. Collection method: clinical testing. Allele origin: germline.
Comment: This missense variant replaces serine with cysteine at codon 346 of the APC protein. Computational prediction is inconclusive regarding the impact of this variant on protein structure and function (internally defined REVEL score threshold 0.5 < inconclusive < 0.7, PMID: 27666373). To our knowledge, functional studies have not been reported for this variant. This variant has not been reported in individuals affected with hereditary cancer in the literature. This variant has not been identified in the general population by the Genome Aggregation Database (gnomAD). The available evidence is insufficient to determine the role of this variant in disease conclusively. Therefore, this variant is classified as a Variant of Uncertain Significance.

NM_000038.6(APC):c.1037C>G (p.Ser346Cys)

Gene: APC (APC regulator of Wnt signaling pathway; plus strand). Cytogenetic location: 5q22.2.
Variant type: single nucleotide variant.
Coding change: c.1037C>G on transcript NM_000038.6 (MANE Select); coding-DNA position 1037, C replaced by G.
Protein change: p.Ser346Cys; replaces serine 346 with cysteine.
Molecular consequence: missense variant. On other transcripts: non-coding transcript variant (2), intron variant (15).
Genome position (GRCh38, 1-based): chr5:112,819,069, C>G. VCF-style: chr5-112819069-C-G. GRCh37 (hg19) VCF-style: chr5-112154766-C-G.
Other names: c.1037C>G, p.Ser346Cys (NM_001127510.3, NM_001354895.2, NM_001354896.2 and 4 more transcripts); c.983C>G, p.Ser328Cys (NM_001127511.3); c.1067C>G, p.Ser356Cys (NM_001354897.2, NM_001407446.1); c.962C>G, p.Ser321Cys (NM_001354898.2, NM_001407451.1); c.953C>G, p.Ser318Cys (NM_001354899.2, NM_001407452.1); c.860C>G, p.Ser287Cys (NM_001354900.2, NM_001354901.2, NM_001407453.1); c.188C>G, p.Ser63Cys (NM_001354906.2, NM_001407470.1); c.85-200C>G (NM_001407472.1, NM_001407471.1); and 5 more; short protein forms S346C, S287C, S318C, S328C, S63C, S321C, S356C.
Identifiers: ClinVar variation 2774698 (VCV002774698.2), dbSNP rs776296617, ClinGen allele CA16023583.